The following is an entry in ClinVar:

NM_022114.4(PRDM16):c.479C>T (p.Ala160Val)

Gene: PRDM16 (PR/SET domain 16; plus strand). Cytogenetic location: 1p36.32.
Variant type: single nucleotide variant.
Coding change: c.479C>T on transcript NM_022114.4 (MANE Select); coding-DNA position 479, C replaced by T.
Protein change: p.Ala160Val; replaces alanine 160 with valine.
Molecular consequence: missense variant.
Genome position (GRCh38, 1-based): chr1:3,385,192, C>T. VCF-style: chr1-3385192-C-T. GRCh37 (hg19) VCF-style: chr1-3301756-C-T.
Other names: c.479C>T, p.Ala160Val (NM_199454.3); short protein forms A160V.
Identifiers: ClinVar variation 3234801 (VCV003234801.20), dbSNP rs2100606214, ClinGen allele CA338000458.

ClinVar aggregate classification (germline): Uncertain significance (1 of 4 stars; one submission).

Submission:

CeGaT Center for Human Genetics Tuebingen
Classification: Uncertain significance. Last evaluated: 2024-04-01. Review status: criteria provided, single submitter. Criteria: CeGaT Center For Human Genetics Tuebingen Variant Classification Criteria Version 2. Collection method: clinical testing. Allele origin: germline. Affected: yes. Observed: 1 variant allele.
Comment: PRDM16: PM2